The following is an entry in ClinVar:

ClinVar aggregate classification (germline): Pathogenic (1 of 4 stars; one submission).

Conditions:
Hereditary cancer-predisposing syndrome. Also called: Neoplastic Syndromes, Hereditary; Tumor predisposition; Hereditary neoplastic syndrome; Hereditary Cancer Syndrome. Identifiers: Orphanet 140162, MedGen C0027672, MeSH D009386, MONDO:0015356.

Submission:

Ambry Genetics
Classification: Pathogenic for Hereditary cancer-predisposing syndrome. Last evaluated: 2018-12-26. Review status: criteria provided, single submitter. Criteria: Ambry Variant Classification Scheme 2023. Collection method: clinical testing. Allele origin: germline.
Comment: The c.423delC pathogenic mutation, located in coding exon 4 of the RAD50 gene, results from a deletion of one nucleotide at nucleotide position 423, causing a translational frameshift with a predicted alternate stop codon (p.S142Vfs*10). This alteration is expected to result in loss of function by premature protein truncation or nonsense-mediated mRNA decay. As such, this alteration is interpreted as a disease-causing mutation.

NM_005732.4(RAD50):c.423del (p.Ser142fs)

Gene: RAD50 (RAD50 double strand break repair protein; plus strand). Cytogenetic location: 5q31.1.
Variant type: Deletion.
Coding change: c.423del on transcript NM_005732.4 (MANE Select); coding-DNA position 423, one base deleted (C; older notation c.423delC).
Protein change: p.Ser142fs; shifts the reading frame from serine 142.
Molecular consequence: frameshift variant.
Genome position (GRCh38, 1-based): chr5:132,579,374, C deleted. VCF-style (leftmost placement, unchanged base first): chr5-132579373-TC-T. GRCh37 (hg19) VCF-style: chr5-131915065-TC-T.
Other names: short protein forms S142fs.
Identifiers: ClinVar variation 824710 (VCV000824710.4), dbSNP rs1580987185, ClinGen allele CA915943536.